The following is an entry in ClinVar:

ClinVar aggregate classification (germline): Benign/Likely benign. Review status: criteria provided, multiple submitters, no conflicts (2 of 4 stars). 4 submissions from 4 submitters: Benign (3); Likely benign (1). Last evaluated 2026-02-02.

Conditions:
Vanishing white matter disease. Also called: Childhood ataxia with diffuse central nervous system hypomyelination; Leukoencephalopathy with vanishing white matter; CACH/VWM syndrome; Cree leukoencehalopathy; CACH syndrome. Identifiers: Orphanet 135, Orphanet 99853, MedGen C1858991, MONDO:0800448.

Allele frequency attached by ClinVar (database versions not stated): gnomAD 0.00010 and 0.00052; TOPMed 0.00024; ESP Exome Variant Server 0.00031; gnomAD exomes 0.00079 and 0.00160; ExAC 0.00164; 1000 Genomes Project 30x 0.00281; 1000 Genomes Project 0.00319.

Submissions (4):

Labcorp Genetics (formerly Invitae), Labcorp
Classification: Benign. Last evaluated: 2026-02-02. Review status: criteria provided, single submitter. Criteria: Invitae Variant Classification Sherloc (09022015). Collection method: clinical testing. Allele origin: germline.

CeGaT Center for Human Genetics Tuebingen
Classification: Benign. Last evaluated: 2026-02-01. Review status: criteria provided, single submitter. Criteria: CeGaT Center For Human Genetics Tuebingen Variant Classification Criteria Version 2. Collection method: clinical testing. Allele origin: germline. Affected: yes. Observed: 2 variant alleles.
Comment: EIF2B2: BS1, BS2

Blueprint Genetics
Classification: Likely benign. Last evaluated: 2024-10-16. Review status: criteria provided, single submitter. Criteria: ACMG Guidelines, 2015. Collection method: clinical testing. Allele origin: germline.

Illumina Laboratory Services, Illumina
Classification: Benign for Leukoencephalopathy with vanishing white matter 1. Last evaluated: 2017-06-07. Review status: criteria provided, single submitter. Criteria: ICSL Variant Classification Criteria 13 December 2019. Collection method: clinical testing. Allele origin: germline.
Comment: This variant was observed as part of a predisposition screen in an ostensibly healthy population. A literature search was performed for the gene, cDNA change, and amino acid change (where applicable). No publications were found based on this search. Allele frequency data from public databases was too high to be consistent with this variant causing disease. Therefore, this variant is classified as benign.

NM_014239.4(EIF2B2):c.982A>G (p.Ile328Val)

Gene: EIF2B2 (eukaryotic translation initiation factor 2B subunit beta; plus strand). Cytogenetic location: 14q24.3.
Variant type: single nucleotide variant.
Coding change: c.982A>G on transcript NM_014239.4 (MANE Select); coding-DNA position 982, A replaced by G.
Protein change: p.Ile328Val; replaces isoleucine 328 with valine.
Molecular consequence: missense variant.
Genome position (GRCh38, 1-based): chr14:75,009,114, A>G. VCF-style: chr14-75009114-A-G. GRCh37 (hg19) VCF-style: chr14-75475817-A-G.
Other names: short protein forms I328V.
Identifiers: ClinVar variation 721624 (VCV000721624.21), dbSNP rs145117455, ClinGen allele CA7275121.